The following is an entry in ClinVar:

ClinVar aggregate classification (germline): Likely benign (1 of 4 stars; one submission).

Conditions:
Tuberous sclerosis syndrome (TSC). Also called: Tuberous Sclerosis Complex; Tuberous sclerosis. Identifiers: Orphanet 805, MedGen C0041341, MONDO:0001734.

gnomAD v4.1: 1 of 1,613,592 alleles (0.000062%); highest among the groups gnomAD compares: Non-Finnish European, 0.000085%; no homozygotes.

Submission:

All of Us Research Program, National Institutes of Health
Classification: Likely benign for Tuberous sclerosis syndrome. Last evaluated: 2023-11-20. Review status: criteria provided, single submitter. Criteria: ACMG Guidelines, 2015. Collection method: clinical testing. Allele origin: germline. Inheritance: Autosomal dominant inheritance. Observed: 1 variant allele, 1 heterozygote.
Comment: This study involves interpretation of variants in research participants for the purpose of population health screening. Participant phenotype was not available at the time of variant classification. Additional details can be found in publication PMID: 35346344, PMCID: PMC8962531

NM_000548.5(TSC2):c.2334C>T (p.Asn778=)

Gene: TSC2 (TSC complex subunit 2; plus strand). Cytogenetic location: 16p13.3.
Variant type: single nucleotide variant.
Coding change: c.2334C>T on transcript NM_000548.5 (MANE Select); coding-DNA position 2334, C replaced by T.
Protein change: p.Asn778=; no amino-acid change (asparagine 778 retained).
Molecular consequence: synonymous variant. On other transcripts: non-coding transcript variant (5).
Genome position (GRCh38, 1-based): chr16:2,072,962, C>T. VCF-style: chr16-2072962-C-T. GRCh37 (hg19) VCF-style: chr16-2122963-C-T.
Other names: c.2334C>T, p.Asn778= (NM_001077183.3, NM_001114382.3, NM_001363528.2 and 6 more transcripts); c.2223C>T, p.Asn741= (NM_001318827.2, NM_001406670.1, NM_001406678.1); c.2187C>T, p.Asn729= (NM_001318829.2, NM_001406675.1, NM_001406676.1 and 1 more transcripts); c.1734C>T, p.Asn578= (NM_001318831.2, NM_001406680.1, NM_001406682.1 and 6 more transcripts); c.2367C>T, p.Asn789= (NM_001318832.2); c.2424C>T, p.Asn808= (NM_001406667.1, NM_001406668.1); c.2322C>T, p.Asn774= (NM_001406671.1, NM_001406673.1); c.2277C>T, p.Asn759= (NM_001406677.1); and 3 more.
Identifiers: ClinVar variation 3074684 (VCV003074684.1), dbSNP rs1320712673, ClinGen allele CA492952709.